The following is an entry in ClinVar:

NM_007327.4(GRIN1):c.1937C>G (p.Ser646Cys)

Gene: GRIN1 (glutamate ionotropic receptor NMDA type subunit 1; plus strand). Cytogenetic location: 9q34.3.
Variant type: single nucleotide variant.
Coding change: c.1937C>G on transcript NM_007327.4 (MANE Select); coding-DNA position 1937, C replaced by G.
Protein change: p.Ser646Cys; replaces serine 646 with cysteine.
Molecular consequence: missense variant.
Genome position (GRCh38, 1-based): chr9:137,162,663, C>G. VCF-style: chr9-137162663-C-G. GRCh37 (hg19) VCF-style: chr9-140057115-C-G.
Other names: c.1937C>G, p.Ser646Cys (NM_000832.7, NM_021569.4); c.2000C>G, p.Ser667Cys (NM_001185090.2, NM_001185091.2); short protein forms S667C, S646C.
Identifiers: ClinVar variation 1391440 (VCV001391440.6), dbSNP rs2131299235, ClinGen allele CA375720798.

ClinVar aggregate classification (germline): Uncertain significance (1 of 4 stars; one submission).

Conditions:
Neurodevelopmental disorder with or without hyperkinetic movements and seizures, autosomal dominant. Also called: Intellectual disability, autosomal dominant 8. Identifiers: MedGen C3280282, MONDO:0013655, OMIM 614254.

Submission:

Labcorp Genetics (formerly Invitae), Labcorp
Classification: Uncertain significance for Neurodevelopmental disorder with or without hyperkinetic movements and seizures, autosomal dominant. Last evaluated: 2021-11-05. Review status: criteria provided, single submitter. Criteria: Invitae Variant Classification Sherloc (09022015). Collection method: clinical testing. Allele origin: germline.
Comment: This sequence change replaces serine, which is neutral and polar, with cysteine, which is neutral and slightly polar, at codon 646 of the GRIN1 protein (p.Ser646Cys). This variant is not present in population databases (gnomAD no frequency). This variant has not been reported in the literature in individuals affected with GRIN1-related conditions. Advanced modeling of protein sequence and biophysical properties (such as structural, functional, and spatial information, amino acid conservation, physicochemical variation, residue mobility, and thermodynamic stability) performed at Invitae indicates that this missense variant is expected to disrupt GRIN1 protein function. In summary, the available evidence is currently insufficient to determine the role of this variant in disease. Therefore, it has been classified as a Variant of Uncertain Significance.